The following is an entry in ClinVar:

NM_138393.4(REEP6):c.138_139del (p.Tyr47fs)

Gene: REEP6 (receptor accessory protein 6; plus strand). Cytogenetic location: 19p13.3.
Variant type: Deletion.
Coding change: c.138_139del on transcript NM_138393.4 (MANE Select); coding-DNA positions 138 to 139, 2 bases deleted (GT; older notation c.138_139delGT).
Protein change: p.Tyr47fs; shifts the reading frame from tyrosine 47.
Molecular consequence: frameshift variant.
Genome position (GRCh38, 1-based): chr19:1,495,316-1,495,317, GT deleted; deleting any 2 consecutive bases within chr19:1,495,315-1,495,317 gives the same sequence; the c. name uses the placement nearest the transcript's 3' end. VCF-style (leftmost placement, unchanged base first): chr19-1495314-CTG-C. GRCh37 (hg19) VCF-style: chr19-1495313-CTG-C.
Other names: c.138_139del, p.Tyr47fs (NM_001329556.3); short protein forms Y47fs.
Identifiers: ClinVar variation 1449104 (VCV001449104.6), dbSNP rs2145477468, ClinGen allele CA2573155793.

ClinVar aggregate classification (germline): Pathogenic (1 of 4 stars; one submission).

Submission:

Labcorp Genetics (formerly Invitae), Labcorp
Classification: Pathogenic. Last evaluated: 2022-09-27. Review status: criteria provided, single submitter. Criteria: Invitae Variant Classification Sherloc (09022015). Collection method: clinical testing. Allele origin: germline.
Comment: ClinVar contains an entry for this variant (Variation ID: 1449104). For these reasons, this variant has been classified as Pathogenic. This sequence change creates a premature translational stop signal (p.Tyr47Serfs*133) in the REEP6 gene. It is expected to result in an absent or disrupted protein product. Loss-of-function variants in REEP6 are known to be pathogenic (PMID: 27889058, 29120066). This variant is not present in population databases (gnomAD no frequency). This variant has not been reported in the literature in individuals affected with REEP6-related conditions.

Literature cited by the submitters: PubMed 27889058; PubMed 29120066.